The following is an entry in ClinVar:

ClinVar aggregate classification (germline): Uncertain significance (1 of 4 stars; one submission).

Conditions:
Melnick-Needles syndrome (MNS). Also called: MELNICK-NEEDLES OSTEODYSPLASTY; OSTEODYSPLASTY OF MELNICK AND NEEDLES; Melnick-Needles Syndrome (FLNA-MNS). Identifiers: Orphanet 2484, MedGen C0025237, MONDO:0010650, OMIM 309350.
Frontometaphyseal dysplasia (FMD1). Identifiers: Orphanet 1826, MedGen C0265293, MONDO:0015942.
Heterotopia, periventricular, X-linked dominant (PVNH1). Also called: PERIVENTRICULAR NODULAR HETEROTOPIA 1; X-linked periventricular heterotopia; PERIVENTRICULAR NODULAR HETEROTOPIA 4; HETEROTOPIA, PERIVENTRICULAR, 1. Identifiers: Orphanet 2149, Orphanet 82004, MedGen C1848213, MONDO:0010233, OMIM 300049.
Oto-palato-digital syndrome, type II (OPD2). Also called: FACIOPALATOOSSEOUS SYNDROME; OPD II SYNDROME; Otopalatodigital Syndrome, Type II; Otopalatodigital Syndrome Type 2 (FLNA-OPD2). Identifiers: Orphanet 669, Orphanet 90652, MedGen C1844696, MONDO:0010571, OMIM 304120.

Submission:

Labcorp Genetics (formerly Invitae), Labcorp
Classification: Uncertain significance for Oto-palato-digital syndrome, type II; Heterotopia, periventricular, X-linked dominant; Frontometaphyseal dysplasia; Melnick-Needles syndrome. Last evaluated: 2025-01-28. Review status: criteria provided, single submitter. Criteria: Invitae Variant Classification Sherloc (09022015). Collection method: clinical testing. Allele origin: germline.
Comment: This sequence change replaces serine, which is neutral and polar, with alanine, which is neutral and non-polar, at codon 2529 of the FLNA protein (p.Ser2529Ala). This variant is not present in population databases (gnomAD no frequency). This variant has not been reported in the literature in individuals affected with FLNA-related conditions. Invitae Evidence Modeling of protein sequence and biophysical properties (such as structural, functional, and spatial information, amino acid conservation, physicochemical variation, residue mobility, and thermodynamic stability) indicates that this missense variant is not expected to disrupt FLNA protein function with a negative predictive value of 95%. In summary, the available evidence is currently insufficient to determine the role of this variant in disease. Therefore, it has been classified as a Variant of Uncertain Significance.

NM_001110556.2(FLNA):c.7609T>G (p.Ser2537Ala)

Genes: FLNA (filamin A; minus strand), LOC107988032 (Xq28 proximal FLNA-EMD recombination region; plus strand). Cytogenetic location: Xq28.
Variant type: single nucleotide variant.
Coding change: c.7609T>G on transcript NM_001110556.2 (MANE Select); coding-DNA position 7609, T replaced by G.
Protein change: p.Ser2537Ala; replaces serine 2537 with alanine.
Molecular consequence: missense variant.
Genome position (GRCh38, 1-based): chrX:154,349,509, A>C on the plus strand (T>G on the coding strand, the complement: FLNA is on the minus strand). VCF-style: chrX-154349509-A-C. GRCh37 (hg19) VCF-style: chrX-153577877-A-C.
Other names: c.7585T>G, p.Ser2529Ala (NM_001456.4); short protein forms S2529A, S2537A.
Identifiers: ClinVar variation 3753966 (VCV003753966.2).